The following is an entry in ClinVar:

ClinVar aggregate classification (germline): Pathogenic (1 of 4 stars; one submission).

Submission:

Labcorp Genetics (formerly Invitae), Labcorp
Classification: Pathogenic. Last evaluated: 2023-09-21. Review status: criteria provided, single submitter. Criteria: Invitae Variant Classification Sherloc (09022015). Collection method: clinical testing. Allele origin: germline.
Comment: This sequence change creates a premature translational stop signal (p.Leu358*) in the LOXHD1 gene. It is expected to result in an absent or disrupted protein product. Loss-of-function variants in LOXHD1 are known to be pathogenic (PMID: 19732867, 21465660, 25792669). This variant is not present in population databases (gnomAD no frequency). For these reasons, this variant has been classified as Pathogenic. This variant has not been reported in the literature in individuals affected with LOXHD1-related conditions.

Literature cited by the submitters: PubMed 19732867; PubMed 21465660; PubMed 25792669.

NM_001384474.1(LOXHD1):c.1072del (p.Pro357_Leu358insTer)

Gene: LOXHD1 (lipoxygenase homology PLAT domains 1; minus strand). Cytogenetic location: 18q21.1.
Variant type: Deletion.
Coding change: c.1072del on transcript NM_001384474.1 (MANE Select); coding-DNA position 1072, one base deleted (C; older notation c.1072delC).
Protein change: p.Pro357_Leu358insTer.
Molecular consequence: nonsense.
Genome position (GRCh38, 1-based): chr18:46,601,279, G deleted on the plus strand (C on the coding strand, the reverse complement: LOXHD1 is on the minus strand); the first of 5 consecutive G bases (chr18:46,601,279-46,601,283); deleting any one gives the same sequence. VCF-style (leftmost placement, unchanged base first): chr18-46601278-AG-A. GRCh37 (hg19) VCF-style: chr18-44181241-AG-A.
Other names: c.1072del, p.Pro357_Leu358insTer (NM_144612.7).
Identifiers: ClinVar variation 2762302 (VCV002762302.3), dbSNP rs2511953768, ClinGen allele CA2641674844.
Genomic context (GRCh38, chr18:46,601,278, plus strand): 5'-TTCTCACAGAACCAGCCTCTGTTGACACCCACATTGCCATGCCCGACGGAGACCCGACTC[AG>A]GGGGCTAAGGAGGACAGCCAGCTCGATGTGGAAGATGTCCGTGCGGCCTCGGTCAAACAC-3'